The following is an entry in ClinVar:

NM_013265.4(VPS51):c.696C>G (p.Arg232=)

Gene: VPS51 (VPS51 subunit of GARP complex; plus strand). Cytogenetic location: 11q13.1.
Variant type: single nucleotide variant.
Coding change: c.696C>G on transcript NM_013265.4 (MANE Select); coding-DNA position 696, C replaced by G.
Protein change: p.Arg232=; no amino-acid change (arginine 232 retained).
Molecular consequence: synonymous variant. On other transcripts: non-coding transcript variant (1).
Genome position (GRCh38, 1-based): chr11:65,107,993, C>G. VCF-style: chr11-65107993-C-G. GRCh37 (hg19) VCF-style: chr11-64875465-C-G.
Identifiers: ClinVar variation 2641945 (VCV002641945.24), dbSNP rs377335542, ClinGen allele CA6090401.

ClinVar aggregate classification (germline): Likely benign (1 of 4 stars; one submission).

Allele frequency attached by ClinVar (database versions not stated): gnomAD 0.00005; TOPMed 0.00007; ESP Exome Variant Server 0.00016; ExAC 0.00017.
gnomAD v4.1: 174 of 1,549,318 alleles (0.011%); highest among the groups gnomAD compares: Middle Eastern, 0.038%; no homozygotes.

Submission:

CeGaT Center for Human Genetics Tuebingen
Classification: Likely benign. Last evaluated: 2023-05-01. Review status: criteria provided, single submitter. Criteria: CeGaT Center For Human Genetics Tuebingen Variant Classification Criteria Version 2. Collection method: clinical testing. Allele origin: germline. Affected: yes. Observed: 1 variant allele.
Comment: VPS51: BP4, BP7